The following is an entry in ClinVar:

ClinVar aggregate classification (germline): Benign (1 of 4 stars; one submission).

Conditions:
Glycogen storage disease, type II (IOPD). Also called: Pompe Disease; CARDIOMEGALIA GLYCOGENICA DIFFUSA; GLYCOGENOSIS, GENERALIZED, CARDIAC FORM; GSD II; POMPE DISEASE, INFANTILE-ONSET; GLYCOGEN STORAGE DISEASE II, INFANTILE-ONSET. Identifiers: Orphanet 365, MedGen C0017921, MONDO:0009290, OMIM 232300.

gnomAD v4.1: 1,753 of 152,268 alleles (1.2%); highest among the groups gnomAD compares: African/African-American, 4%; 34 homozygotes.

Submission:

Genomenon, Inc
Classification: Benign for Glycogen storage disease, type II. Last evaluated: 2026-07-01. Review status: criteria provided, single submitter. Criteria: Genomenon Sequence Variant Interpretation Standards - Updated. Collection method: curation. Allele origin: germline. Affected: no.
Comment: GAA c.-32-521G>T is an intronic variant located in the 5′ untranslated region (5′ UTR). This variant is present at high allele frequency in population databases. We classify GAA c.-32-521G>T as a benign variant.

NM_000152.5(GAA):c.-32-521G>T

Gene: GAA (alpha glucosidase; plus strand). Cytogenetic location: 17q25.3.
Variant type: single nucleotide variant.
Coding change: c.-32-521G>T on transcript NM_000152.5 (MANE Select); 521 bases into the intron before 32 bases upstream of the start codon, G replaced by T.
Molecular consequence: intron variant.
Genome position (GRCh38, 1-based): chr17:80,104,034, G>T. VCF-style: chr17-80104034-G-T. GRCh37 (hg19) VCF-style: chr17-78077833-G-T.
Other names: c.-32-521G>T (NM_001406741.1, NM_001406742.1, NM_001079803.3 and 1 more transcripts).
Identifiers: ClinVar variation 4876395 (VCV004876395.1).